The following is an entry in ClinVar:

NM_001232.4(CASQ2):c.749G>A (p.Arg250His)

Gene: CASQ2 (calsequestrin 2; minus strand). Cytogenetic location: 1p13.1.
Variant type: single nucleotide variant.
Coding change: c.749G>A on transcript NM_001232.4 (MANE Select); coding-DNA position 749, G replaced by A.
Protein change: p.Arg250His; replaces arginine 250 with histidine.
Molecular consequence: missense variant.
Genome position (GRCh38, 1-based): chr1:115,725,542, C>T on the plus strand (G>A on the coding strand, the complement: CASQ2 is on the minus strand). VCF-style: chr1-115725542-C-T. GRCh37 (hg19) VCF-style: chr1-116268163-C-T.
Other names: short protein forms R250H.
Identifiers: ClinVar variation 1759192 (VCV001759192.4), dbSNP rs187306418, ClinGen allele CA1023765.
Genomic context (GRCh38, chr1:115,725,542, plus strand): 5'-GCAAAGAGAGTTTGCCTCTTTCTTACCCATGTTTCAAACATTTCTTCTGGGCGCAGGCGA[C>T]GTAGAGTGGGTCTGGAAAAAAAAAAAAAAAAAAAAAAAGAAAGAGCTTCCTTGAGTAGGG-3'
Protein context (NP_001223.2, residues 240-260): FVKEHQRPTL[Arg250His]RLRPEEMFET

ClinVar aggregate classification (germline): Uncertain significance. Review status: criteria provided, multiple submitters, no conflicts (2 of 4 stars). 2 submissions from 2 submitters: Uncertain significance (2). Last evaluated 2025-12-09.

Conditions:
Cardiovascular phenotype. Identifiers: MedGen CN230736.
Catecholaminergic polymorphic ventricular tachycardia 1. Also called: VENTRICULAR TACHYCARDIA, CATECHOLAMINERGIC POLYMORPHIC, 1, WITH OR WITHOUT ATRIAL DYSFUNCTION AND/OR DILATED CARDIOMYOPATHY; VENTRICULAR TACHYCARDIA, STRESS-INDUCED POLYMORPHIC 1; RYR2-Related Catecholaminergic Polymorphic Ventricular Tachycardia. Identifiers: Orphanet 3286, MedGen C1631597, MONDO:0011484, OMIM 604772.

Allele frequency attached by ClinVar (database versions not stated): TOPMed 0.00002.
gnomAD v4.1: 16 of 1,487,884 alleles (0.0011%); highest among the groups gnomAD compares: Middle Eastern, 0.02%; no homozygotes.

Submissions (2):

Labcorp Genetics (formerly Invitae), Labcorp
Classification: Uncertain significance for Catecholaminergic polymorphic ventricular tachycardia 1. Last evaluated: 2025-12-09. Review status: criteria provided, single submitter. Criteria: Invitae Variant Classification Sherloc (09022015). Collection method: clinical testing. Allele origin: germline.
Comment: This sequence change replaces arginine, which is basic and polar, with histidine, which is basic and polar, at codon 250 of the CASQ2 protein (p.Arg250His). The frequency data for this variant in the population databases is considered unreliable, as metrics indicate poor data quality at this position in the gnomAD database. This variant has not been reported in the literature in individuals affected with CASQ2-related conditions. ClinVar contains an entry for this variant (Variation ID: 1759192). Invitae Evidence Modeling of protein sequence and biophysical properties (such as structural, functional, and spatial information, amino acid conservation, physicochemical variation, residue mobility, and thermodynamic stability) has been performed for this missense variant. However, the output from this modeling did not meet the statistical confidence thresholds required to predict the impact of this variant on CASQ2 protein function. In summary, the available evidence is currently insufficient to determine the role of this variant in disease. Therefore, it has been classified as a Variant of Uncertain Significance.

Ambry Genetics
Classification: Uncertain significance for Cardiovascular phenotype. Last evaluated: 2025-10-21. Review status: criteria provided, single submitter. Criteria: Ambry Variant Classification Scheme 2023. Collection method: clinical testing. Allele origin: germline.
Comment: The p.R250H variant (also known as c.749G>A), located in coding exon 7 of the CASQ2 gene, results from a G to A substitution at nucleotide position 749. The arginine at codon 250 is replaced by histidine, an amino acid with highly similar properties. This variant was reported as contained within a gross duplication of CASQ2 in one Brugada syndrome case; however, clinical details were limited (Mates J et al. Eur J Hum Genet, 2018 07;26:1014-1025). This amino acid position is highly conserved in available vertebrate species. In addition, this alteration is predicted to be deleterious by in silico analysis. Since supporting evidence is limited at this time, the clinical significance of this alteration remains unclear.

Literature cited by the submitters: PubMed 29511324 (cited by Ambry Genetics).